The following is an entry in ClinVar:

NM_001365951.3(KIF1B):c.5071C>T (p.Pro1691Ser)

Gene: KIF1B (kinesin family member 1B; plus strand). Cytogenetic location: 1p36.22.
Variant type: single nucleotide variant.
Coding change: c.5071C>T on transcript NM_001365951.3 (MANE Select); coding-DNA position 5071, C replaced by T.
Protein change: p.Pro1691Ser; replaces proline 1691 with serine.
Molecular consequence: missense variant.
Genome position (GRCh38, 1-based): chr1:10,374,440, C>T. VCF-style: chr1-10374440-C-T. GRCh37 (hg19) VCF-style: chr1-10434498-C-T.
Other names: c.5071C>T, p.Pro1691Ser (NM_001365952.1); c.4933C>T, p.Pro1645Ser (NM_015074.3); short protein forms P1645S, P1691S.
Identifiers: ClinVar variation 3864113 (VCV003864113.1).

ClinVar aggregate classification (germline): Uncertain significance (1 of 4 stars; one submission).

Submission:

Ambry Genetics
Classification: Uncertain significance. Last evaluated: 2025-02-28. Review status: criteria provided, single submitter. Criteria: Ambry Variant Classification Scheme 2023. Collection method: clinical testing. Allele origin: germline.
Comment: The p.P1645S variant (also known as c.4933C>T), located in coding exon 43 of the KIF1B gene, results from a C to T substitution at nucleotide position 4933. The proline at codon 1645 is replaced by serine, an amino acid with similar properties. This amino acid position is conserved. In addition, this alteration is predicted to be deleterious by in silico analysis. Based on the available evidence, the clinical significance of this variant remains unclear.